The following is an entry in ClinVar:

ClinVar aggregate classification (germline): Conflicting classifications of pathogenicity. Review status: criteria provided, conflicting classifications (1 of 4 stars). 5 submissions from 5 submitters: Uncertain significance (3); Likely benign (2). Last evaluated 2026-06-09.

Conditions:
Nephronophthisis 15 (NPHP15). Identifiers: Orphanet 3156, MedGen C3541853, MONDO:0013917, OMIM 614845.
Inborn genetic diseases. Identifiers: MedGen C0950123, MeSH D030342.
CEP164-related disorder. Also called: CEP164-related condition.

Allele frequency attached by ClinVar (database versions not stated): gnomAD 0.00014 and 0.00012; TOPMed 0.00019; 1000 Genomes Project 30x 0.00047; 1000 Genomes Project 0.00060; gnomAD exomes 0.00005 and 0.00007; ESP Exome Variant Server 0.00008; ExAC 0.00010.
gnomAD v4.1: 100 of 1,614,172 alleles (0.0062%); highest among the groups gnomAD compares: Middle Eastern, 0.082%; no homozygotes.

Submissions (5):

PreventionGenetics, part of Exact Sciences
Classification: Uncertain significance for CEP164-related condition. Last evaluated: 2026-06-09. Review status: criteria provided, single submitter. Criteria: ACMG Guidelines, 2015. Collection method: clinical testing. Allele origin: germline.
Comment: The CEP164 c.1865G>A variant is predicted to result in the amino acid substitution p.Arg622Gln. To our knowledge, this variant has not been reported in the literature. This variant is reported in 0.023% of alleles in individuals of Latino descent in gnomAD. At this time, the clinical significance of this variant is uncertain due to the absence of conclusive functional and genetic evidence.

Ambry Genetics
Classification: Likely benign for Inborn genetic diseases. Last evaluated: 2025-01-08. Review status: criteria provided, single submitter. Criteria: Ambry Variant Classification Scheme 2023. Collection method: clinical testing. Allele origin: germline.

Blueprint Genetics
Classification: Likely benign. Last evaluated: 2024-11-13. Review status: criteria provided, single submitter. Criteria: ACMG Guidelines, 2015. Collection method: clinical testing. Allele origin: germline.

Fulgent Genetics
Classification: Uncertain significance for Nephronophthisis 15. Last evaluated: 2024-04-17. Review status: criteria provided, single submitter. Criteria: ACMG Guidelines, 2015. Collection method: clinical testing. Allele origin: germline.

Labcorp Genetics (formerly Invitae), Labcorp
Classification: Uncertain significance for Nephronophthisis 15. Last evaluated: 2022-07-18. Review status: criteria provided, single submitter. Criteria: Invitae Variant Classification Sherloc (09022015). Collection method: clinical testing. Allele origin: germline.
Comment: This sequence change replaces arginine, which is basic and polar, with glutamine, which is neutral and polar, at codon 622 of the CEP164 protein (p.Arg622Gln). This variant is present in population databases (rs183392900, gnomAD 0.02%). This variant has not been reported in the literature in individuals affected with CEP164-related conditions. ClinVar contains an entry for this variant (Variation ID: 840939). Algorithms developed to predict the effect of missense changes on protein structure and function output the following: SIFT: "Tolerated"; PolyPhen-2: "Benign"; Align-GVGD: "Class C0". The glutamine amino acid residue is found in multiple mammalian species, which suggests that this missense change does not adversely affect protein function. In summary, the available evidence is currently insufficient to determine the role of this variant in disease. Therefore, it has been classified as a Variant of Uncertain Significance.

NM_014956.5(CEP164):c.1865G>A (p.Arg622Gln)

Gene: CEP164 (centrosomal protein 164; plus strand). Cytogenetic location: 11q23.3.
Variant type: single nucleotide variant.
Coding change: c.1865G>A on transcript NM_014956.5 (MANE Select); coding-DNA position 1865, G replaced by A.
Protein change: p.Arg622Gln; replaces arginine 622 with glutamine.
Molecular consequence: missense variant.
Genome position (GRCh38, 1-based): chr11:117,387,343, G>A. VCF-style: chr11-117387343-G-A. GRCh37 (hg19) VCF-style: chr11-117258059-G-A.
Other names: c.1874G>A, p.Arg625Gln (NM_001271933.2); short protein forms R622Q, R625Q.
Identifiers: ClinVar variation 840939 (VCV000840939.10), dbSNP rs183392900, ClinGen allele CA6294885.